The following is an entry in ClinVar:

NM_001366385.1(CARD14):c.184C>T (p.Arg62Trp)

Gene: CARD14 (caspase recruitment domain family member 14; plus strand). Cytogenetic location: 17q25.3.
Variant type: single nucleotide variant.
Coding change: c.184C>T on transcript NM_001366385.1 (MANE Select); coding-DNA position 184, C replaced by T.
Protein change: p.Arg62Trp; replaces arginine 62 with tryptophan.
Molecular consequence: missense variant. On other transcripts: non-coding transcript variant (1).
Genome position (GRCh38, 1-based): chr17:80,181,622, C>T. VCF-style: chr17-80181622-C-T. GRCh37 (hg19) VCF-style: chr17-78155421-C-T.
Other names: c.184C>T (NM_024110.3); c.184C>T, p.Arg62Trp (NM_001257970.1, NM_024110.4); short protein forms R62W.
Identifiers: ClinVar variation 3761486 (VCV003761486.3).

ClinVar aggregate classification (germline): Uncertain significance. Review status: criteria provided, multiple submitters, no conflicts (2 of 4 stars). 2 submissions from 2 submitters: Uncertain significance (2). Last evaluated 2025-08-31.

Conditions:
Pityriasis rubra pilaris (PRP). Also called: Pityriasis rubra pilaris--familial type. Identifiers: Orphanet 2897, MedGen C0032027, MONDO:0100017, OMIM 173200, MONDO:0008251.
Psoriasis 2. Identifiers: MedGen C1864497, MONDO:0011269, OMIM 602723.
Inborn genetic diseases. Identifiers: MedGen C0950123, MeSH D030342.

gnomAD v4.1: 27 of 1,552,750 alleles (0.0017%); highest among the groups gnomAD compares: African/African-American, 0.0068%; no homozygotes.

Submissions (2):

Ambry Genetics
Classification: Uncertain significance for Inborn genetic diseases. Last evaluated: 2025-08-31. Review status: criteria provided, single submitter. Criteria: Ambry Variant Classification Scheme 2023. Collection method: clinical testing. Allele origin: germline.

Labcorp Genetics (formerly Invitae), Labcorp
Classification: Uncertain significance for Pityriasis rubra pilaris; Psoriasis 2. Last evaluated: 2024-03-04. Review status: criteria provided, single submitter. Criteria: Invitae Variant Classification Sherloc (09022015). Collection method: clinical testing. Allele origin: germline.
Comment: This sequence change replaces arginine, which is basic and polar, with tryptophan, which is neutral and slightly polar, at codon 62 of the CARD14 protein (p.Arg62Trp). This variant is present in population databases (rs553686312, gnomAD 0.02%). This variant has not been reported in the literature in individuals affected with CARD14-related conditions. Advanced modeling of protein sequence and biophysical properties (such as structural, functional, and spatial information, amino acid conservation, physicochemical variation, residue mobility, and thermodynamic stability) performed at Invitae indicates that this missense variant is expected to disrupt CARD14 protein function with a positive predictive value of 80%. In summary, the available evidence is currently insufficient to determine the role of this variant in disease. Therefore, it has been classified as a Variant of Uncertain Significance.